The following is an entry in ClinVar:

NM_000702.4(ATP1A2):c.1961C>A (p.Pro654His)

Gene: ATP1A2 (ATPase Na+/K+ transporting subunit alpha 2; plus strand). Cytogenetic location: 1q23.2.
Variant type: single nucleotide variant.
Coding change: c.1961C>A on transcript NM_000702.4 (MANE Select); coding-DNA position 1961, C replaced by A.
Protein change: p.Pro654His; replaces proline 654 with histidine.
Molecular consequence: missense variant.
Genome position (GRCh38, 1-based): chr1:160,134,617, C>A. VCF-style: chr1-160134617-C-A. GRCh37 (hg19) VCF-style: chr1-160104407-C-A.
Other names: short protein forms P654H.
Identifiers: ClinVar variation 1001567 (VCV001001567.8), dbSNP rs886164050, ClinGen allele CA31500494.

ClinVar aggregate classification (germline): Uncertain significance (1 of 4 stars; one submission).

Conditions:
Familial hemiplegic migraine. Identifiers: MedGen C0338484, MONDO:0000700.

Allele frequency attached by ClinVar (database versions not stated): gnomAD 0.00003 and 0.00004; TOPMed 0.00003.
gnomAD v4.1: 6 of 1,614,062 alleles (0.00037%); highest among the groups gnomAD compares: African/African-American, 0.0053%; no homozygotes.

Submission:

Labcorp Genetics (formerly Invitae), Labcorp
Classification: Uncertain significance for Familial hemiplegic migraine. Last evaluated: 2023-08-30. Review status: criteria provided, single submitter. Criteria: Invitae Variant Classification Sherloc (09022015). Collection method: clinical testing. Allele origin: germline.
Comment: This variant has not been reported in the literature in individuals affected with ATP1A2-related conditions. This variant is present in population databases (no rsID available, gnomAD 0.1%). This sequence change replaces proline, which is neutral and non-polar, with histidine, which is basic and polar, at codon 654 of the ATP1A2 protein (p.Pro654His). In summary, the available evidence is currently insufficient to determine the role of this variant in disease. Therefore, it has been classified as a Variant of Uncertain Significance. Advanced modeling of protein sequence and biophysical properties (such as structural, functional, and spatial information, amino acid conservation, physicochemical variation, residue mobility, and thermodynamic stability) performed at Invitae indicates that this missense variant is expected to disrupt ATP1A2 protein function. ClinVar contains an entry for this variant (Variation ID: 1001567).